The following is an entry in ClinVar:

ClinVar aggregate classification (germline): Pathogenic (1 of 4 stars; one submission).

Submission:

Medical Genetic Center, Changzhi Maternal and Child Health Care Hospital
Classification: Pathogenic. Last evaluated: 2025-12-10. Review status: criteria provided, single submitter. Criteria: ACMG/ClinGen CNV Guidelines, 2019. Collection method: clinical testing. Allele origin: unknown.
Comment: 2A:15q11.2 recurrent region (BP1-BP2) (includes NIPA1)

GRCh38/hg38 15q11.2(chr15:22582283-23060000)x1

Genes: CYFIP1 (cytoplasmic FMR1 interacting protein 1; minus strand), NIPA1 (NIPA magnesium transporter 1; plus strand), NIPA2 (NIPA magnesium transporter 2; plus strand), TUBGCP5 (tubulin gamma complex component 5; minus strand), LOC112272575 (Sharpr-MPRA regulatory region 8478; plus strand) and 15 more. Cytogenetic location: 15q11.2.
Variant type: copy number loss.
Change: copy number 1 (one copy instead of two) of chr15:22,582,283-23,060,000 (477.7 kb, GRCh38 coordinates, 1-based), cytogenetic band 15q11.2.
Identifiers: ClinVar variation 4796141 (VCV004796141.1).